The following is an entry in ClinVar:

ClinVar aggregate classification (germline): Likely pathogenic (1 of 4 stars; one submission).

Submission:

Labcorp Genetics (formerly Invitae), Labcorp
Classification: Likely pathogenic. Last evaluated: 2025-05-12. Review status: criteria provided, single submitter. Criteria: Invitae Variant Classification Sherloc (09022015). Collection method: clinical testing. Allele origin: germline.
Comment: This sequence change falls in intron 20 of the CARMIL2 gene. It does not directly change the encoded amino acid sequence of the CARMIL2 protein. RNA analysis indicates that this variant induces altered splicing and may result in an absent or altered protein product. This variant is not present in population databases (gnomAD no frequency). This variant has been observed in individual(s) with clinical features of CARMIL2-related conditions (PMID: 34287962). It has also been observed to segregate with disease in related individuals. Studies have shown that this variant results in multiple isoforms, and produces a non-functional protein and/or introduces a premature termination codon (PMID: 36515672). In summary, the currently available evidence indicates that the variant is pathogenic, but additional data are needed to prove that conclusively. Therefore, this variant has been classified as Likely Pathogenic.

Literature cited by the submitters: PubMed 34287962; PubMed 36515672.

NM_001013838.3(CARMIL2):c.1920-7G>A

Gene: CARMIL2 (capping protein regulator and myosin 1 linker 2; plus strand). Cytogenetic location: 16q22.1.
Variant type: single nucleotide variant.
Coding change: c.1920-7G>A on transcript NM_001013838.3 (MANE Select); 7 bases into the intron before coding-DNA position 1920, G replaced by A.
Molecular consequence: intron variant.
Genome position (GRCh38, 1-based): chr16:67,649,799, G>A. VCF-style: chr16-67649799-G-A. GRCh37 (hg19) VCF-style: chr16-67683702-G-A.
Other names: c.1812-7G>A (NM_001438835.1, NM_001438244.1, NM_001317026.3).
Identifiers: ClinVar variation 4710812 (VCV004710812.1).